The following is an entry in ClinVar:

ClinVar aggregate classification (germline): Likely pathogenic (1 of 4 stars; one submission).

Conditions:
Rare anaemia.

Submission:

North West Genomic Laboratory Hub, Manchester University NHS Foundation Trust
Classification: Likely pathogenic for Rare anaemia. Last evaluated: 2025-01-22. Review status: criteria provided, single submitter. Criteria: ACGS Best Practice Guidelines for Variant Classification in Rare Disease 2024. Collection method: clinical testing. Allele origin: germline. Affected: yes.
Comment: PP4_Supp PM3_Mod PP3_Supp PM2_Mod

NM_000298.6(PKLR):c.1154G>A (p.Arg385Lys)

Gene: PKLR (pyruvate kinase L/R; minus strand). Cytogenetic location: 1q22.
Variant type: single nucleotide variant.
Coding change: c.1154G>A on transcript NM_000298.6 (MANE Select); coding-DNA position 1154, G replaced by A.
Protein change: p.Arg385Lys; replaces arginine 385 with lysine.
Molecular consequence: missense variant.
Genome position (GRCh38, 1-based): chr1:155,293,553, C>T on the plus strand (G>A on the coding strand, the complement: PKLR is on the minus strand). VCF-style: chr1-155293553-C-T. GRCh37 (hg19) VCF-style: chr1-155263344-C-T.
Other names: c.1061G>A, p.Arg354Lys (NM_181871.4); short protein forms R354K, R385K.
Identifiers: ClinVar variation 4853810 (VCV004853810.1).